The following is an entry in ClinVar:

ClinVar aggregate classification (germline): Conflicting classifications of pathogenicity. Review status: criteria provided, conflicting classifications (1 of 4 stars). 9 submissions from 9 submitters: Uncertain significance (1); Benign (2); Likely benign (5). 1 of the submissions does not count toward it. Last evaluated 2026-01-19.

Conditions:
APC-related disorder. Also called: APC-related condition.
Hereditary cancer-predisposing syndrome. Also called: Hereditary neoplastic syndrome; Hereditary Cancer Syndrome; Neoplastic Syndromes, Hereditary; Tumor predisposition. Identifiers: Orphanet 140162, MedGen C0027672, MeSH D009386, MONDO:0015356.
Familial adenomatous polyposis 1 (FAP1). Also called: FAMILIAL ADENOMATOUS POLYPOSIS 1, ATTENUATED; POLYPOSIS, ADENOMATOUS INTESTINAL. Identifiers: MedGen C2713442, MONDO:0021056, OMIM 175100. Disease mechanism: loss of function.

Allele frequency attached by ClinVar (database versions not stated): gnomAD 0.00003; TOPMed 0.00007; gnomAD exomes 0.00009 and 0.00019; ExAC 0.00023.
gnomAD v4.1: 60 of 1,612,898 alleles (0.0037%); highest among the groups gnomAD compares: Admixed American, 0.1%; no homozygotes.

Submissions (9):

Labcorp Genetics (formerly Invitae), Labcorp
Classification: Likely benign for Familial adenomatous polyposis 1. Last evaluated: 2026-01-19. Review status: criteria provided, single submitter. Criteria: Invitae Variant Classification Sherloc (09022015). Collection method: clinical testing. Allele origin: germline.

Color Diagnostics, LLC DBA Color Health
Classification: Benign for Hereditary cancer-predisposing syndrome. Last evaluated: 2024-09-20. Review status: criteria provided, single submitter. Criteria: ACMG Guidelines, 2015. Collection method: clinical testing. Allele origin: germline.

Myriad Genetics, Inc.
Classification: Likely benign for Familial adenomatous polyposis 1. Last evaluated: 2024-04-02. Review status: criteria provided, single submitter. Criteria: Myriad Autosomal Dominant, Autosomal Recessive and X-Linked Classification Criteria (2023). Collection method: clinical testing. Allele origin: unknown.
Comment: This variant is considered likely benign. This variant has been observed at a population frequency that is significantly greater than expected given the associated disease prevalence and penetrance.

Quest Diagnostics Nichols Institute San Juan Capistrano
Classification: Benign. Last evaluated: 2023-09-07. Review status: criteria provided, single submitter. Criteria: Quest Diagnostics criteria. Collection method: clinical testing. Allele origin: unknown.

Women's Health and Genetics/Laboratory Corporation of America, LabCorp
Classification: Likely benign. Last evaluated: 2021-05-10. Review status: criteria provided, single submitter. Criteria: LabCorp Variant Classification Summary - May 2015. Collection method: clinical testing. Allele origin: germline.
Comment: Variant summary: APC c.5506G>A (p.Gly1836Arg) results in a non-conservative amino acid change in the encoded protein sequence. Four of five in-silico tools predict a damaging effect of the variant on protein function. The variant allele was found at a frequency of 0.00019 in 250906 control chromosomes, predominantly at a frequency of 0.0013 within the Latino subpopulation in the gnomAD database. The observed variant frequency within Latino control individuals in the gnomAD database is approximately 18-fold of the estimated maximal expected allele frequency for a pathogenic variant in APC causing Familial Adenomatous Polyposis phenotype (7.1e-05), strongly suggesting that the variant is a benign polymorphism found primarily in populations of Latino origin. To our knowledge, no occurrence of c.5506G>A in individuals affected with Familial Adenomatous Polyposis and no experimental evidence demonstrating its impact on protein function have been reported. Four ClinVar submitters (evaluation after 2014) cite the variant as benign/likely benign and two ClinVar submitters (evaluation after 2014) cite it as uncertain significance. Based on the evidence outlined above, the variant was classified as likely benign.

Sema4
Classification: Likely benign for Hereditary cancer-predisposing syndrome. Last evaluated: 2020-12-08. Review status: criteria provided, single submitter. Criteria: Sema4 Curation Guidelines. Collection method: curation. Allele origin: germline.

GeneDx
Classification: Uncertain significance. Last evaluated: 2020-02-13. Review status: criteria provided, single submitter. Criteria: GeneDx Variant Classification Process June 2021. Collection method: clinical testing. Allele origin: germline. Affected: yes.
Comment: In silico analysis supports that this missense variant has a deleterious effect on protein structure/function; Has not been previously published as pathogenic or benign to our knowledge

Ambry Genetics
Classification: Likely benign for Hereditary cancer-predisposing syndrome. Last evaluated: 2018-06-20. Review status: criteria provided, single submitter. Criteria: Ambry Variant Classification Scheme 2023. Collection method: clinical testing. Allele origin: germline.

PreventionGenetics, part of Exact Sciences
Classification: Likely benign for APC-related condition. Last evaluated: 2024-02-18. Review status: no assertion criteria provided. Collection method: clinical testing. Allele origin: germline. Not counted in ClinVar's aggregate classification.
Comment: This variant is classified as likely benign based on ACMG/AMP sequence variant interpretation guidelines (Richards et al. 2015 PMID: 25741868, with internal and published modifications).

Literature cited by the submitters: PubMed 31552911 (cited by Quest Diagnostics Nichols Institute San Juan Capistrano and Women's Health and Genetics/Laboratory Corporation of America, LabCorp).

NM_000038.6(APC):c.5506G>A (p.Gly1836Arg)

Gene: APC (APC regulator of Wnt signaling pathway; plus strand). Cytogenetic location: 5q22.2.
Variant type: single nucleotide variant.
Coding change: c.5506G>A on transcript NM_000038.6 (MANE Select); coding-DNA position 5506, G replaced by A.
Protein change: p.Gly1836Arg; replaces glycine 1836 with arginine.
Molecular consequence: missense variant.
Genome position (GRCh38, 1-based): chr5:112,841,100, G>A. VCF-style: chr5-112841100-G-A. GRCh37 (hg19) VCF-style: chr5-112176797-G-A.
Other names: c.5506G>A, p.Gly1836Arg (NM_001127510.3, NM_001354895.2); c.5452G>A, p.Gly1818Arg (NM_001127511.3); c.5560G>A, p.Gly1854Arg (NM_001354896.2); c.5536G>A, p.Gly1846Arg (NM_001354897.2); c.5431G>A, p.Gly1811Arg (NM_001354898.2); c.5422G>A, p.Gly1808Arg (NM_001354899.2); c.5383G>A, p.Gly1795Arg (NM_001354900.2); c.5329G>A, p.Gly1777Arg (NM_001354901.2); and 5 more; short protein forms G1818R, G1836R, G1710R, G1745R, G1846R, G1808R, G1811R, G1553R.
Identifiers: ClinVar variation 236620 (VCV000236620.31), dbSNP rs766739164, ClinGen allele CA042181.